The following is an entry in ClinVar:

NM_000384.3(APOB):c.4970C>T (p.Thr1657Met)

Gene: APOB (apolipoprotein B; minus strand). Cytogenetic location: 2p24.1.
Variant type: single nucleotide variant.
Coding change: c.4970C>T on transcript NM_000384.3 (MANE Select); coding-DNA position 4970, C replaced by T.
Protein change: p.Thr1657Met; replaces threonine 1657 with methionine.
Molecular consequence: missense variant.
Genome position (GRCh38, 1-based): chr2:21,011,898, G>A on the plus strand (C>T on the coding strand, the complement: APOB is on the minus strand). VCF-style: chr2-21011898-G-A. GRCh37 (hg19) VCF-style: chr2-21234770-G-A.
Other names: short protein forms T1657M.
Identifiers: ClinVar variation 918466 (VCV000918466.15), dbSNP rs144239254, ClinGen allele CA061438.

ClinVar aggregate classification (germline): Conflicting classifications of pathogenicity. Review status: criteria provided, conflicting classifications (1 of 4 stars). 5 submissions from 5 submitters: Uncertain significance (3); Likely benign (2). Last evaluated 2025-12-03.

Conditions:
Cardiovascular phenotype. Identifiers: MedGen CN230736.
Familial hypobetalipoproteinemia 1. Also called: Hypobetalipoproteinemia, normotriglyceridemic; Acanthocytosis with hypobetalipoproteinemia; APOB-Related Familial Hypobetalipoproteinemia. Identifiers: MedGen C4551990, MONDO:0014252, OMIM 615558.
Hypercholesterolemia, autosomal dominant, type B (FHCL2). Also called: Familial Hypercholesterolemia Type B; HYPERCHOLESTEROLEMIA, FAMILIAL, DUE TO LIGAND-DEFECTIVE APOLIPOPROTEIN B; Familial hypercholesterolemia 2; APOB-Related Familial Hypercholesterolemia, Autosomal Dominant; APOLIPOPROTEIN B-100, FAMILIAL DEFECTIVE; APOLIPOPROTEIN B-100, FAMILIAL LIGAND-DEFECTIVE. Identifiers: MedGen C1704417, MONDO:0007751, OMIM 144010.

Allele frequency attached by ClinVar (database versions not stated): ExAC 0.00004; gnomAD exomes 0.00005; ESP Exome Variant Server 0.00008; gnomAD 0.00010 and 0.00015; TOPMed 0.00026.
gnomAD v4.1: 72 of 1,613,756 alleles (0.0045%); highest among the groups gnomAD compares: Middle Eastern, 0.049%; no homozygotes.

Submissions (5):

Labcorp Genetics (formerly Invitae), Labcorp
Classification: Likely benign for Familial hypobetalipoproteinemia 1; Hypercholesterolemia, autosomal dominant, type B. Last evaluated: 2025-12-03. Review status: criteria provided, single submitter. Criteria: Invitae Variant Classification Sherloc (09022015). Collection method: clinical testing. Allele origin: germline.

Quest Diagnostics Nichols Institute San Juan Capistrano
Classification: Uncertain significance. Last evaluated: 2025-04-14. Review status: criteria provided, single submitter. Criteria: Quest Diagnostics criteria. Collection method: clinical testing. Allele origin: unknown.
Comment: The APOB c.4970C>T (p.Thr1657Met) variant has not been reported as a germline variant in individuals with APOB-related conditions in the published literature. The frequency of this variant in the general population (Genome Aggregation Database) is uninformative in the assessment of its pathogenicity. Analysis of this variant using bioinformatics tools for the prediction of the effect of amino acid changes on protein structure and function yielded predictions that this variant is benign. Based on the available information, we are unable to determine the clinical significance of this variant.

ARUP Laboratories, Molecular Genetics and Genomics, ARUP Laboratories
Classification: Uncertain significance. Last evaluated: 2025-03-11. Review status: criteria provided, single submitter. Criteria: ARUP Molecular Germline Variant Investigation Process 2024. Collection method: clinical testing. Allele origin: germline.
Comment: The APOB c.4970C>T; p.Thr1657Met variant (rs144239254), to our knowledge, is not reported in the medical literature but is reported in ClinVar (Variation ID: 918466). This variant is found in the general population with an overall allele frequency of 0.005% (14/281,894 alleles) in the Genome Aggregation Database (v2.1.1). Computational analyses predict that this variant is neutral (REVEL: 0.109). Due to limited information, the clinical significance of this variant is uncertain at this time.

Ambry Genetics
Classification: Likely benign for Cardiovascular phenotype. Last evaluated: 2024-06-20. Review status: criteria provided, single submitter. Criteria: Ambry Variant Classification Scheme 2023. Collection method: clinical testing. Allele origin: germline.

Fulgent Genetics
Classification: Uncertain significance for Hypercholesterolemia, autosomal dominant, type B; Familial hypobetalipoproteinemia 1. Last evaluated: 2021-09-13. Review status: criteria provided, single submitter. Criteria: ACMG Guidelines, 2015. Collection method: clinical testing. Allele origin: unknown.